The following is an entry in ClinVar:

NM_001854.4(COL11A1):c.1154A>C (p.Glu385Ala)

Gene: COL11A1 (collagen type XI alpha 1 chain; minus strand). Cytogenetic location: 1p21.1.
Variant type: single nucleotide variant.
Coding change: c.1154A>C on transcript NM_001854.4 (MANE Select); coding-DNA position 1154, A replaced by C.
Protein change: p.Glu385Ala; replaces glutamic acid 385 with alanine.
Molecular consequence: missense variant. On other transcripts: non-coding transcript variant (1), intron variant (1).
Genome position (GRCh38, 1-based): chr1:103,022,833, T>G on the plus strand (A>C on the coding strand, the complement: COL11A1 is on the minus strand). VCF-style: chr1-103022833-T-G. GRCh37 (hg19) VCF-style: chr1-103488389-T-G.
Other names: c.1037A>C, p.Glu346Ala (NM_001190709.2); c.1190A>C, p.Glu397Ala (NM_080629.3); c.898-1064A>C (NM_080630.4); short protein forms E397A, E346A, E385A.
Identifiers: ClinVar variation 1364006 (VCV001364006.8), dbSNP rs2101945641, ClinGen allele CA341154535.

ClinVar aggregate classification (germline): Uncertain significance (1 of 4 stars; one submission).

Submission:

Labcorp Genetics (formerly Invitae), Labcorp
Classification: Uncertain significance. Last evaluated: 2021-03-10. Review status: criteria provided, single submitter. Criteria: Invitae Variant Classification Sherloc (09022015). Collection method: clinical testing. Allele origin: germline.
Comment: Advanced modeling of protein sequence and biophysical properties (such as structural, functional, and spatial information, amino acid conservation, physicochemical variation, residue mobility, and thermodynamic stability) performed at Invitae indicates that this missense variant is not expected to disrupt COL11A1 protein function. This sequence change replaces glutamic acid with alanine at codon 385 of the COL11A1 protein (p.Glu385Ala). The glutamic acid residue is moderately conserved and there is a moderate physicochemical difference between glutamic acid and alanine. This variant is not present in population databases (ExAC no frequency). This variant has not been reported in the literature in individuals with COL11A1-related conditions. In summary, the available evidence is currently insufficient to determine the role of this variant in disease. Therefore, it has been classified as a Variant of Uncertain Significance.